The following is an entry in ClinVar:

ClinVar aggregate classification (germline): Uncertain significance (1 of 4 stars; one submission).

Conditions:
Granulomatous disease, chronic, X-linked. Also called: CYTOCHROME b-NEGATIVE GRANULOMATOUS DISEASE, CHRONIC, X-LINKED; GRANULOMATOUS DISEASE, CHRONIC, X-LINKED, SOMATIC MOSAIC. Identifiers: Orphanet 379, MedGen C1844376, MONDO:0010600, OMIM 306400.

Allele frequency attached by ClinVar (database versions not stated): gnomAD exomes below 0.00001 and 0.00001; TOPMed below 0.00001.

Submission:

Labcorp Genetics (formerly Invitae), Labcorp
Classification: Uncertain significance for Granulomatous disease, chronic, X-linked. Last evaluated: 2025-09-26. Review status: criteria provided, single submitter. Criteria: Invitae Variant Classification Sherloc (09022015). Collection method: clinical testing. Allele origin: germline.
Comment: This sequence change replaces arginine, which is basic and polar, with glutamine, which is neutral and polar, at codon 73 of the CYBB protein (p.Arg73Gln). This variant is present in population databases (no rsID available, gnomAD 0.004%). This variant has not been reported in the literature in individuals affected with CYBB-related conditions. ClinVar contains an entry for this variant (Variation ID: 1440068). Invitae Evidence Modeling of protein sequence and biophysical properties (such as structural, functional, and spatial information, amino acid conservation, physicochemical variation, residue mobility, and thermodynamic stability) indicates that this missense variant is expected to disrupt CYBB protein function with a positive predictive value of 80%. In summary, the available evidence is currently insufficient to determine the role of this variant in disease. Therefore, it has been classified as a Variant of Uncertain Significance.

NM_000397.4(CYBB):c.218G>A (p.Arg73Gln)

Gene: CYBB (cytochrome b-245 beta chain; plus strand). Cytogenetic location: Xp21.1.
Variant type: single nucleotide variant.
Coding change: c.218G>A on transcript NM_000397.4 (MANE Select); coding-DNA position 218, G replaced by A.
Protein change: p.Arg73Gln; replaces arginine 73 with glutamine.
Molecular consequence: missense variant.
Genome position (GRCh38, 1-based): chrX:37,783,566, G>A. VCF-style: chrX-37783566-G-A. GRCh37 (hg19) VCF-style: chrX-37642819-G-A.
Other names: short protein forms R73Q.
Identifiers: ClinVar variation 1440068 (VCV001440068.8), dbSNP rs781887034, ClinGen allele CA412972852.